The following is an entry in ClinVar:

ClinVar aggregate classification (germline): Uncertain significance (1 of 4 stars; one submission).

gnomAD v4.1: 7 of 1,613,938 alleles (0.00043%); highest among the groups gnomAD compares: Non-Finnish European, 0.00059%; no homozygotes.

Submission:

GeneDx
Classification: Uncertain significance. Last evaluated: 2026-03-01. Review status: criteria provided, single submitter. Criteria: GeneDx Variant Classification Process June 2021. Collection method: clinical testing. Allele origin: germline.
Comment: Not observed at significant frequency in large population cohorts (gnomAD); In silico analysis supports that this missense variant has a deleterious effect on protein structure/function; Has not been previously published as pathogenic or benign to our knowledge

NM_174916.3(UBR1):c.2315T>C (p.Ile772Thr)

Gene: UBR1 (ubiquitin protein ligase E3 component n-recognin 1; minus strand). Cytogenetic location: 15q15.2.
Variant type: single nucleotide variant.
Coding change: c.2315T>C on transcript NM_174916.3 (MANE Select); coding-DNA position 2315, T replaced by C.
Protein change: p.Ile772Thr; replaces isoleucine 772 with threonine.
Molecular consequence: missense variant.
Genome position (GRCh38, 1-based): chr15:43,030,008, A>G on the plus strand (T>C on the coding strand, the complement: UBR1 is on the minus strand). VCF-style: chr15-43030008-A-G. GRCh37 (hg19) VCF-style: chr15-43322206-A-G.
Other names: short protein forms I772T.
Identifiers: ClinVar variation 5008046 (VCV005008046.1).